The following is an entry in ClinVar:

ClinVar aggregate classification (germline): Uncertain significance. Review status: criteria provided, multiple submitters, no conflicts (2 of 4 stars). 2 submissions from 2 submitters: Uncertain significance (2). Last evaluated 2024-08-27.

Submissions (2):

Labcorp Genetics (formerly Invitae), Labcorp
Classification: Uncertain significance. Last evaluated: 2024-08-27. Review status: criteria provided, single submitter. Criteria: Invitae Variant Classification Sherloc (09022015). Collection method: clinical testing. Allele origin: germline.
Comment: This sequence change replaces proline, which is neutral and non-polar, with leucine, which is neutral and non-polar, at codon 938 of the SALL2 protein (p.Pro938Leu). This variant is present in population databases (rs767070558, gnomAD 0.006%). This variant has not been reported in the literature in individuals affected with SALL2-related conditions. An algorithm developed to predict the effect of missense changes on protein structure and function outputs the following: PolyPhen-2: "Benign". The leucine amino acid residue is found in multiple mammalian species, which suggests that this missense change does not adversely affect protein function. In summary, the available evidence is currently insufficient to determine the role of this variant in disease. Therefore, it has been classified as a Variant of Uncertain Significance.

Ambry Genetics
Classification: Uncertain significance. Last evaluated: 2024-06-17. Review status: criteria provided, single submitter. Criteria: Ambry Variant Classification Scheme 2023. Collection method: clinical testing. Allele origin: germline.

NM_001364564.1(SALL2):c.2807C>T (p.Pro936Leu)

Gene: SALL2 (spalt like transcription factor 2; minus strand). Cytogenetic location: 14q11.2.
Variant type: single nucleotide variant.
Coding change: c.2807C>T on transcript NM_001364564.1 (MANE Select); coding-DNA position 2807, C replaced by T.
Protein change: p.Pro936Leu; replaces proline 936 with leucine.
Molecular consequence: missense variant.
Genome position (GRCh38, 1-based): chr14:21,522,915, G>A on the plus strand (C>T on the coding strand, the complement: SALL2 is on the minus strand). VCF-style: chr14-21522915-G-A. GRCh37 (hg19) VCF-style: chr14-21991049-G-A.
Other names: c.2408C>T, p.Pro803Leu (NM_001291446.2); c.2402C>T, p.Pro801Leu (NM_001291447.2); c.2813C>T, p.Pro938Leu (NM_005407.3); short protein forms P938L, P801L, P803L, P936L.
Identifiers: ClinVar variation 3316032 (VCV003316032.3).